The following is an entry in ClinVar:

NM_003611.3(OFD1):c.2177G>A (p.Arg726His)

Gene: OFD1 (OFD1 centriole and centriolar satellite protein; plus strand). Cytogenetic location: Xp22.2.
Variant type: single nucleotide variant.
Coding change: c.2177G>A on transcript NM_003611.3 (MANE Select); coding-DNA position 2177, G replaced by A.
Protein change: p.Arg726His; replaces arginine 726 with histidine.
Molecular consequence: missense variant.
Genome position (GRCh38, 1-based): chrX:13,760,637, G>A. VCF-style: chrX-13760637-G-A. GRCh37 (hg19) VCF-style: chrX-13778756-G-A.
Other names: c.2057G>A, p.Arg686His (NM_001330209.2); c.1757G>A, p.Arg586His (NM_001330210.2); short protein forms R726H, R686H, R586H.
Identifiers: ClinVar variation 571012 (VCV000571012.11), dbSNP rs750984782, ClinGen allele CA10351940.
Genomic context (GRCh38, chrX:13,760,637, plus strand): 5'-CACTTGAAGAAAGGAATGACGTCGTGGAAGCACTGACAGGCAGTGCAGCCTCGAGGCTCC[G>A]CGGGGGCACTTCCTCCAGACGCCTCTCTTCCACACCCCTTCCAAAAGCAAAAAGAAGCCT-3'
Protein context (NP_003602.1, residues 716-736): ALTGSAASRL[Arg726His]GGTSSRRLSS

ClinVar aggregate classification (germline): Conflicting classifications of pathogenicity. Review status: criteria provided, conflicting classifications (1 of 4 stars). 3 submissions from 3 submitters: Uncertain significance (2); Likely benign (1). Last evaluated 2026-01-27.

Conditions:
Joubert syndrome. Also called: JOUBERT-BOLTSHAUSER SYNDROME; Familial aplasia of the vermis. Identifiers: Orphanet 475, MedGen C5979921, MONDO:0018772.
Orofaciodigital syndrome I (OFD1). Also called: Papillon-Leage and Psaume Syndrome; Oral-Facial-Digital Syndrome Type I; OFDS I. Identifiers: Orphanet 2750, MedGen C1510460, MONDO:0010702, OMIM 311200.

Allele frequency attached by ClinVar (database versions not stated): ExAC 0.00002; gnomAD 0.00003; TOPMed 0.00003.
gnomAD v4.1: 68 of 1,209,609 alleles (0.0056%); highest among the groups gnomAD compares: Non-Finnish European, 0.0067%; no homozygotes.

Submissions (3):

Women's Health and Genetics/Laboratory Corporation of America, LabCorp
Classification: Uncertain significance. Last evaluated: 2026-01-27. Review status: criteria provided, single submitter. Criteria: LabCorp Variant Classification Summary - May 2015. Collection method: clinical testing. Allele origin: germline.
Comment: Variant summary: OFD1 c.2177G>A (p.Arg726His) results in a non-conservative amino acid change in the encoded protein sequence. Algorithms developed to predict the effect of missense changes on protein structure and function are either unavailable or do not agree on the potential impact of this missense change. The variant allele was found at a frequency of 1.6e-05 in 181834 control chromosomes. The available data on variant occurrences in the general population are insufficient to allow any conclusion about variant significance. To our knowledge, no occurrence of c.2177G>A in individuals affected with OFD1-related conditions and no experimental evidence demonstrating its impact on protein function have been reported. ClinVar contains an entry for this variant (Variation ID: 571012). Based on the evidence outlined above, the variant was classified as uncertain significance.

Labcorp Genetics (formerly Invitae), Labcorp
Classification: Uncertain significance for Orofaciodigital syndrome I; Joubert syndrome. Last evaluated: 2025-09-13. Review status: criteria provided, single submitter. Criteria: Invitae Variant Classification Sherloc (09022015). Collection method: clinical testing. Allele origin: germline.
Comment: This sequence change replaces arginine, which is basic and polar, with histidine, which is basic and polar, at codon 726 of the OFD1 protein (p.Arg726His). This variant is present in population databases (rs750984782, gnomAD 0.004%). This variant has not been reported in the literature in individuals affected with OFD1-related conditions. ClinVar contains an entry for this variant (Variation ID: 571012). Invitae Evidence Modeling of protein sequence and biophysical properties (such as structural, functional, and spatial information, amino acid conservation, physicochemical variation, residue mobility, and thermodynamic stability) indicates that this missense variant is not expected to disrupt OFD1 protein function with a negative predictive value of 80%. In summary, the available evidence is currently insufficient to determine the role of this variant in disease. Therefore, it has been classified as a Variant of Uncertain Significance.

Blueprint Genetics
Classification: Likely benign. Last evaluated: 2023-12-14. Review status: criteria provided, single submitter. Criteria: ACMG Guidelines, 2015. Collection method: clinical testing. Allele origin: germline.